The following is an entry in ClinVar:

NC_000014.8:g.(?_102431029)_(103397017_?)dup

Genes: AMN (amnion associated transmembrane protein; plus strand), ANKRD9 (ankyrin repeat domain 9; minus strand), CINP (cyclin dependent kinase 2 interacting protein; minus strand), DYNC1H1 (dynein cytoplasmic 1 heavy chain 1; plus strand), HSP90AA1 (heat shock protein 90 alpha family class A member 1; minus strand) and 6 more. Cytogenetic location: 14q32.31-32.32.
Variant type: Duplication.
Identifiers: ClinVar variation 3244018 (VCV003244018.1).

ClinVar aggregate classification (germline): Uncertain significance (1 of 4 stars; one submission).

Conditions:
Charcot-Marie-Tooth disease axonal type 2O. Also called: CHARCOT-MARIE-TOOTH NEUROPATHY, AXONAL, TYPE 2O; CHARCOT-MARIE-TOOTH DISEASE, AXONAL, AUTOSOMAL DOMINANT, TYPE 2O; Charcot-Marie-Tooth Neuropathy Type 2O; Charcot-Marie-Tooth disease, axonal, type 20. Identifiers: Orphanet 284232, MedGen C3280220, MONDO:0013644, OMIM 614228.

Submission:

Labcorp Genetics (formerly Invitae), Labcorp
Classification: Uncertain significance for Charcot-Marie-Tooth disease axonal type 2O. Last evaluated: 2023-10-29. Review status: criteria provided, single submitter. Criteria: Invitae Variant Classification Sherloc (09022015). Collection method: clinical testing. Allele origin: unknown.
Comment: A copy number gain of the genomic region encompassing the full coding sequence of the DYNC1H1 gene has been identified. The boundaries of this event are unknown as they extend beyond the assayed region for this gene and therefore may encompass additional genes. As the precise location of this event is unknown, it may be in tandem or it may be located elsewhere in the genome. Isolated whole-gene copy number gains of DYNC1H1 have not been reported in the literature. However, larger copy number events that include this gene have been reported (PMID: 30510536). In summary, the available evidence is currently insufficient to determine the role of this variant in disease. Therefore, it has been classified as a Variant of Uncertain Significance.

Literature cited by the submitters: PubMed 30510536.